The following is an entry in ClinVar:

NM_000057.4(BLM):c.2881G>A (p.Val961Met)

Gene: BLM (BLM RecQ like helicase; plus strand). Cytogenetic location: 15q26.1.
Variant type: single nucleotide variant.
Coding change: c.2881G>A on transcript NM_000057.4 (MANE Select); coding-DNA position 2881, G replaced by A.
Protein change: p.Val961Met; replaces valine 961 with methionine.
Molecular consequence: missense variant.
Genome position (GRCh38, 1-based): chr15:90,790,706, G>A. VCF-style: chr15-90790706-G-A. GRCh37 (hg19) VCF-style: chr15-91333936-G-A.
Other names: c.2881G>A, p.Val961Met (NM_001287246.2, NM_001287247.2); c.1756G>A, p.Val586Met (NM_001287248.2); short protein forms V586M, V961M.
Identifiers: ClinVar variation 2746785 (VCV002746785.3), dbSNP rs1060500639, ClinGen allele CA393846335.

ClinVar aggregate classification (germline): Uncertain significance (1 of 4 stars; one submission).

Conditions:
Bloom syndrome (BLM). Also called: Bloom-Torre-Machacek syndrome. Identifiers: Orphanet 125, MedGen C0005859, MONDO:0008876, OMIM 210900.

Submission:

Labcorp Genetics (formerly Invitae), Labcorp
Classification: Uncertain significance for Bloom syndrome. Last evaluated: 2023-07-26. Review status: criteria provided, single submitter. Criteria: Invitae Variant Classification Sherloc (09022015). Collection method: clinical testing. Allele origin: germline.
Comment: This sequence change replaces valine, which is neutral and non-polar, with methionine, which is neutral and non-polar, at codon 961 of the BLM protein (p.Val961Met). This variant is not present in population databases (gnomAD no frequency). This variant has not been reported in the literature in individuals affected with BLM-related conditions. Advanced modeling of protein sequence and biophysical properties (such as structural, functional, and spatial information, amino acid conservation, physicochemical variation, residue mobility, and thermodynamic stability) performed at Invitae indicates that this missense variant is expected to disrupt BLM protein function. In summary, the available evidence is currently insufficient to determine the role of this variant in disease. Therefore, it has been classified as a Variant of Uncertain Significance.